The following is an entry in ClinVar:

NM_020937.4(FANCM):c.5285C>G (p.Pro1762Arg)

Gene: FANCM (FA complementation group M; plus strand). Cytogenetic location: 14q21.2.
Variant type: single nucleotide variant.
Coding change: c.5285C>G on transcript NM_020937.4 (MANE Select); coding-DNA position 5285, C replaced by G.
Protein change: p.Pro1762Arg; replaces proline 1762 with arginine.
Molecular consequence: missense variant.
Genome position (GRCh38, 1-based): chr14:45,189,307, C>G. VCF-style: chr14-45189307-C-G. GRCh37 (hg19) VCF-style: chr14-45658510-C-G.
Other names: c.5285C>G (LRG_502t1, NM_020937.3); c.5207C>G, p.Pro1736Arg (NM_001308133.2); short protein forms P1762R, P1736R.
Identifiers: ClinVar variation 663651 (VCV000663651.16), dbSNP rs747356020, ClinGen allele CA7169953.

ClinVar aggregate classification (germline): Uncertain significance. Review status: criteria provided, multiple submitters, no conflicts (2 of 4 stars). 5 submissions from 5 submitters: Uncertain significance (5). Last evaluated 2025-10-07.

Conditions:
Spermatogenic failure 28. Identifiers: MedGen C4748117, MONDO:0054732, OMIM 618086.
Premature ovarian failure 15. Identifiers: MedGen C4748170, MONDO:0054862, OMIM 618096.
Inborn genetic diseases. Identifiers: MedGen C0950123, MeSH D030342.
Fanconi anemia (FA). Also called: Fanconi's anemia. Identifiers: Orphanet 84, MedGen C0015625, MeSH D005199, MONDO:0019391.

Allele frequency attached by ClinVar (database versions not stated): TOPMed 0.00002.
gnomAD v4.1: 15 of 1,613,826 alleles (0.00093%); highest among the groups gnomAD compares: Admixed American, 0.023%; no homozygotes.

Submissions (5):

Ambry Genetics
Classification: Uncertain significance for Inborn genetic diseases. Last evaluated: 2025-10-07. Review status: criteria provided, single submitter. Criteria: Ambry Variant Classification Scheme 2023. Collection method: clinical testing. Allele origin: germline.

GeneDx
Classification: Uncertain significance. Last evaluated: 2025-05-28. Review status: criteria provided, single submitter. Criteria: GeneDx Variant Classification Process June 2021. Collection method: clinical testing. Allele origin: germline. Affected: yes.
Comment: In silico analysis suggests that this missense variant does not alter protein structure/function; Has not been previously published as pathogenic or benign to our knowledge

Labcorp Genetics (formerly Invitae), Labcorp
Classification: Uncertain significance for Fanconi anemia. Last evaluated: 2024-07-08. Review status: criteria provided, single submitter. Criteria: Invitae Variant Classification Sherloc (09022015). Collection method: clinical testing. Allele origin: germline.
Comment: This sequence change replaces proline, which is neutral and non-polar, with arginine, which is basic and polar, at codon 1762 of the FANCM protein (p.Pro1762Arg). This variant is present in population databases (rs747356020, gnomAD 0.03%). This variant has not been reported in the literature in individuals affected with FANCM-related conditions. ClinVar contains an entry for this variant (Variation ID: 663651). An algorithm developed to predict the effect of missense changes on protein structure and function (PolyPhen-2) suggests that this variant is likely to be tolerated. In summary, the available evidence is currently insufficient to determine the role of this variant in disease. Therefore, it has been classified as a Variant of Uncertain Significance.

Quest Diagnostics Nichols Institute San Juan Capistrano
Classification: Uncertain significance. Last evaluated: 2023-11-04. Review status: criteria provided, single submitter. Criteria: Quest Diagnostics criteria. Collection method: clinical testing. Allele origin: unknown.
Comment: The FANCM c.5285C>G (p.Pro1762Arg) variant has not been reported in individuals with FANCM-related conditions in the published literature. The frequency of this variant in the general population, 0.00032 (11/34574 chromosomes (Genome Aggregation Database)), is uninformative in the assessment of its pathogenicity. Analysis of this variant using bioinformatics tools for the prediction of the effect of amino acid changes on protein structure and function yielded predictions that this variant is benign. Based on the available information, we are unable to determine the clinical significance of this variant.

Fulgent Genetics
Classification: Uncertain significance for Spermatogenic failure 28; Premature ovarian failure 15. Last evaluated: 2022-01-04. Review status: criteria provided, single submitter. Criteria: ACMG Guidelines, 2015. Collection method: clinical testing. Allele origin: unknown.